The following is an entry in ClinVar:

NM_173854.6(SLC41A1):c.854G>A (p.Arg285Gln)

Gene: SLC41A1 (solute carrier family 41 member 1; minus strand). Cytogenetic location: 1q32.1.
Variant type: single nucleotide variant.
Coding change: c.854G>A on transcript NM_173854.6 (MANE Select); coding-DNA position 854, G replaced by A.
Protein change: p.Arg285Gln; replaces arginine 285 with glutamine.
Molecular consequence: missense variant.
Genome position (GRCh38, 1-based): chr1:205,798,042, C>T on the plus strand (G>A on the coding strand, the complement: SLC41A1 is on the minus strand). VCF-style: chr1-205798042-C-T. GRCh37 (hg19) VCF-style: chr1-205767170-C-T.
Other names: short protein forms R285Q.
Identifiers: ClinVar variation 2896608 (VCV002896608.3), dbSNP rs776783815, ClinGen allele CA1357276.
Genomic context (GRCh38, chr1:205,798,042, plus strand): 5'-AGCACCACCCAGACAGGCAGCAGGGCCACAAAGAAAGCACACACCAGTGGGTAGATGTAT[C>T]GCCAGTGATCTGAGAGGGCAGAGGTCAGAAGGAGATAAGCACTGTGTTTCCCTACCCTAA-3'
Protein context (NP_776253.3, residues 275-295): WGLYLELNHW[Arg285Gln]YIYPLVCAFF

ClinVar aggregate classification (germline): Uncertain significance (1 of 4 stars; one submission).

Allele frequency attached by ClinVar (database versions not stated): gnomAD exomes 0.00002; ExAC 0.00003.

Submission:

Labcorp Genetics (formerly Invitae), Labcorp
Classification: Uncertain significance. Last evaluated: 2025-08-06. Review status: criteria provided, single submitter. Criteria: Invitae Variant Classification Sherloc (09022015). Collection method: clinical testing. Allele origin: germline.
Comment: This sequence change replaces arginine, which is basic and polar, with glutamine, which is neutral and polar, at codon 285 of the SLC41A1 protein (p.Arg285Gln). This variant is present in population databases (rs776783815, gnomAD 0.03%). This variant has not been reported in the literature in individuals affected with SLC41A1-related conditions. ClinVar contains an entry for this variant (Variation ID: 2896608). An algorithm developed to predict the effect of missense changes on protein structure and function outputs the following: PolyPhen-2: "Benign". The glutamine amino acid residue is found in multiple mammalian species, which suggests that this missense change does not adversely affect protein function. In summary, the available evidence is currently insufficient to determine the role of this variant in disease. Therefore, it has been classified as a Variant of Uncertain Significance.